The following is an entry in ClinVar:

NM_025265.4(TSEN2):c.66A>C (p.Pro22=)

Gene: TSEN2 (tRNA splicing endonuclease subunit 2; plus strand). Cytogenetic location: 3p25.2.
Variant type: single nucleotide variant.
Coding change: c.66A>C on transcript NM_025265.4 (MANE Select); coding-DNA position 66, A replaced by C.
Protein change: p.Pro22=; no amino-acid change (proline 22 retained).
Molecular consequence: synonymous variant. On other transcripts: non-coding transcript variant (1).
Genome position (GRCh38, 1-based): chr3:12,489,866, A>C. VCF-style: chr3-12489866-A-C. GRCh37 (hg19) VCF-style: chr3-12531365-A-C.
Other names: c.66A>C, p.Pro22= (NM_001145392.2, NM_001145393.3, NM_001145394.2 and 3 more transcripts).
Identifiers: ClinVar variation 160116 (VCV000160116.19), dbSNP rs62637658, ClinGen allele CA272744.
Genomic context (GRCh38, chr3:12,489,866, plus strand): 5'-AGAAGCAGTTTTCCATGCCCCAAAGAGGAAAAGAAGAGTGTATGAGACTTACGAGTCTCC[A>C]TTGCCAATCCCTTTTGGTCAGGACCATGGTCCTCTGAAAGAATTCAAGATATTCCGTGCT-3'
Protein context (NP_079541.1, residues 12-32): KRRVYETYES[Pro22=]LPIPFGQDHG

ClinVar aggregate classification (germline): Benign/Likely benign. Review status: criteria provided, multiple submitters, no conflicts (2 of 4 stars). 5 submissions from 5 submitters: Benign (2); Likely benign (2). 1 of the submissions does not count toward it. Last evaluated 2026-01-18.

Conditions:
TSEN2-related disorder. Also called: TSEN2-related condition.

Allele frequency attached by ClinVar (database versions not stated): ESP Exome Variant Server 0.00377; 1000 Genomes Project 0.00499; 1000 Genomes Project 30x 0.00562; gnomAD exomes 0.00074; ExAC 0.00092; gnomAD 0.00304 and 0.00322; TOPMed 0.00357.
gnomAD v4.1: 931 of 1,614,100 alleles (0.058%); highest among the groups gnomAD compares: African/African-American, 1.1%; 5 homozygotes.

Submissions (5):

Labcorp Genetics (formerly Invitae), Labcorp
Classification: Benign. Last evaluated: 2026-01-18. Review status: criteria provided, single submitter. Criteria: Invitae Variant Classification Sherloc (09022015). Collection method: clinical testing. Allele origin: germline.

GeneDx
Classification: Likely benign. Last evaluated: 2020-07-08. Review status: criteria provided, single submitter. Criteria: GeneDx Variant Classification Process June 2021. Collection method: clinical testing. Allele origin: germline. Affected: yes.

Genetic Services Laboratory, University of Chicago
Classification: Benign. Last evaluated: 2019-10-08. Review status: criteria provided, single submitter. Criteria: ACMG Guidelines, 2015. Collection method: clinical testing. Allele origin: germline. Affected: no.

Breakthrough Genomics
Classification: Likely benign. Review status: criteria provided, single submitter. Criteria: ACMG Guidelines, 2015. Collection method: not provided. Allele origin: germline. Inheritance: Autosomal recessive inheritance. Affected: yes.

PreventionGenetics, part of Exact Sciences
Classification: Benign for TSEN2-related condition. Last evaluated: 2019-03-05. Review status: no assertion criteria provided. Collection method: clinical testing. Allele origin: germline. Not counted in ClinVar's aggregate classification.
Comment: This variant is classified as benign based on ACMG/AMP sequence variant interpretation guidelines (Richards et al. 2015 PMID: 25741868, with internal and published modifications).